The following is an entry in ClinVar:

NM_001267550.2(TTN):c.28299C>G (p.Asp9433Glu)

Gene: TTN (titin; minus strand). Cytogenetic location: 2q31.2.
Variant type: single nucleotide variant.
Coding change: c.28299C>G on transcript NM_001267550.2 (MANE Select); coding-DNA position 28299, C replaced by G.
Protein change: p.Asp9433Glu; replaces aspartic acid 9433 with glutamic acid.
Molecular consequence: missense variant. On other transcripts: intron variant (3).
Genome position (GRCh38, 1-based): chr2:178,710,798, G>C on the plus strand (C>G on the coding strand, the complement: TTN is on the minus strand). VCF-style: chr2-178710798-G-C. GRCh37 (hg19) VCF-style: chr2-179575525-G-C.
Other names: c.27348C>G, p.Asp9116Glu (NM_001256850.1); c.24567C>G, p.Asp8189Glu (NM_133378.4); c.13282+27284C>G (NM_003319.4); c.13858+27284C>G (NM_133437.4); c.13657+27284C>G (NM_133432.3); short protein forms D9116E, D9433E, D8189E.
Identifiers: ClinVar variation 507863 (VCV000507863.6), dbSNP rs372608982, ClinGen allele CA1999616.

ClinVar aggregate classification (germline): Conflicting classifications of pathogenicity. Review status: criteria provided, conflicting classifications (1 of 4 stars). 3 submissions from 3 submitters: Uncertain significance (2); Likely benign (1). Last evaluated 2019-07-17.

Conditions:
Hypertrophic cardiomyopathy. Also called: HYPERTROPHIC MYOCARDIOPATHY. Identifiers: Orphanet 217569, MedGen C0007194, MeSH D002312, MONDO:0005045, HP:0001639.

Allele frequency attached by ClinVar (database versions not stated): gnomAD exomes 0.00002 and 0.00005; gnomAD 0.00003 and 0.00004; ExAC 0.00004; TOPMed 0.00005; ESP Exome Variant Server 0.00008.
gnomAD v4.1: 37 of 1,613,778 alleles (0.0023%); highest among the groups gnomAD compares: Middle Eastern, 0.082%; no homozygotes.

Submissions (3):

Revvity Omics, Revvity
Classification: Uncertain significance. Last evaluated: 2019-07-17. Review status: criteria provided, single submitter. Criteria: ACMG Guidelines, 2015. Collection method: clinical testing. Allele origin: germline.

GeneDx
Classification: Likely benign. Last evaluated: 2018-02-01. Review status: criteria provided, single submitter. Criteria: GeneDx Variant Classification (06012015). Collection method: clinical testing. Allele origin: germline. Affected: yes.
Comment: This variant is considered likely benign or benign based on one or more of the following criteria: it is a conservative change, it occurs at a poorly conserved position in the protein, it is predicted to be benign by multiple in silico algorithms, and/or has population frequency not consistent with disease.

Genetics and Genomics Program, Sidra Medicine
Classification: Uncertain significance for Hypertrophic cardiomyopathy. Review status: criteria provided, single submitter. Criteria: ACMG Guidelines, 2015. Collection method: research. Allele origin: unknown. Affected: yes. Observed: 1 variant allele.